The following is an entry in ClinVar:

NM_014991.6(WDFY3):c.4912C>G (p.Leu1638Val)

Gene: WDFY3 (WD repeat and FYVE domain containing 3; minus strand). Cytogenetic location: 4q21.23.
Variant type: single nucleotide variant.
Coding change: c.4912C>G on transcript NM_014991.6 (MANE Select); coding-DNA position 4912, C replaced by G.
Protein change: p.Leu1638Val; replaces leucine 1638 with valine.
Molecular consequence: missense variant.
Genome position (GRCh38, 1-based): chr4:84,766,310, G>C on the plus strand (C>G on the coding strand, the complement: WDFY3 is on the minus strand). VCF-style: chr4-84766310-G-C. GRCh37 (hg19) VCF-style: chr4-85687463-G-C.
Other names: short protein forms L1638V.
Identifiers: ClinVar variation 5008795 (VCV005008795.1).
Genomic context (GRCh38, chr4:84,766,310, plus strand): 5'-ACTGCAAATTAATGCTTGTCTTTTCTTTAGATGTATAAATTAGTTTTAGCAAGATATCCA[G>C]AAGTCTGTTCCTCAAAAGTATAAGATTAGCTGATACAAGACCTCCAAACTCCTCTTCAGT-3'
Protein context (NP_055806.2, residues 1628-1648): ANLILLRNRL[Leu1638Val]DILLKLIYTS

ClinVar aggregate classification (germline): Uncertain significance (1 of 4 stars; one submission).

Submission:

GeneDx
Classification: Uncertain significance. Last evaluated: 2026-03-07. Review status: criteria provided, single submitter. Criteria: GeneDx Variant Classification Process June 2021. Collection method: clinical testing. Allele origin: germline.
Comment: Not observed at significant frequency in large population cohorts (gnomAD); In silico analysis supports that this missense variant has a deleterious effect on protein structure/function; Has not been previously published as pathogenic or benign to our knowledge